The following is an entry in ClinVar:

NM_020347.4(LZTFL1):c.688A>T (p.Thr230Ser)

Gene: LZTFL1 (leucine zipper transcription factor like 1; minus strand). Cytogenetic location: 3p21.31.
Variant type: single nucleotide variant.
Coding change: c.688A>T on transcript NM_020347.4 (MANE Select); coding-DNA position 688, A replaced by T.
Protein change: p.Thr230Ser; replaces threonine 230 with serine.
Molecular consequence: missense variant. On other transcripts: non-coding transcript variant (2).
Genome position (GRCh38, 1-based): chr3:45,828,528, T>A on the plus strand (A>T on the coding strand, the complement: LZTFL1 is on the minus strand). VCF-style: chr3-45828528-T-A. GRCh37 (hg19) VCF-style: chr3-45870020-T-A.
Other names: c.637A>T, p.Thr213Ser (NM_001276378.2, NM_001386451.1, NM_001405922.1 and 4 more transcripts); c.676A>T, p.Thr226Ser (NM_001276379.2, NM_001405921.1); c.688A>T, p.Thr230Ser (NM_001386452.1); c.712A>T, p.Thr238Ser (NM_001405920.1, NM_001405925.1); c.622A>T, p.Thr208Ser (NM_001405924.1); short protein forms T208S, T213S, T238S, T230S, T226S.
Identifiers: ClinVar variation 4994542 (VCV004994542.1).

ClinVar aggregate classification (germline): Uncertain significance (1 of 4 stars; one submission).

Conditions:
LZTFL1-related disorder. Also called: LZTFL1-related condition.

Submission:

PreventionGenetics, part of Exact Sciences
Classification: Uncertain significance for LZTFL1-related condition. Last evaluated: 2025-12-11. Review status: criteria provided, single submitter. Criteria: ACMG Guidelines, 2015. Collection method: clinical testing. Allele origin: germline.
Comment: The LZTFL1 c.688A>T variant is predicted to result in the amino acid substitution p.Thr230Ser. To our knowledge, this variant has not been reported in the literature or in a large population database (gnomAD), indicating this variant is rare. At this time, the clinical significance of this variant is uncertain due to the absence of conclusive functional and genetic evidence.